The following is an entry in ClinVar:

NM_001165963.4(SCN1A):c.550A>G (p.Thr184Ala)

Gene: SCN1A (sodium voltage-gated channel alpha subunit 1; minus strand). Cytogenetic location: 2q24.3.
Variant type: single nucleotide variant.
Coding change: c.550A>G on transcript NM_001165963.4 (MANE Select); coding-DNA position 550, A replaced by G.
Protein change: p.Thr184Ala; replaces threonine 184 with alanine.
Molecular consequence: missense variant. On other transcripts: 5 prime UTR variant (1), non-coding transcript variant (1).
Genome position (GRCh38, 1-based): chr2:166,054,690, T>C on the plus strand (A>G on the coding strand, the complement: SCN1A is on the minus strand). VCF-style: chr2-166054690-T-C. GRCh37 (hg19) VCF-style: chr2-166911200-T-C.
Other names: c.550A>G, p.Thr184Ala (NM_001165964.3, NM_001202435.3, NM_001353948.2 and 10 more transcripts); c.-1876A>G (NM_001353961.2); short protein forms T184A.
Identifiers: ClinVar variation 2720425 (VCV002720425.3), dbSNP rs368798811, ClinGen allele CA1943491.

ClinVar aggregate classification (germline): Uncertain significance (1 of 4 stars; one submission).

Conditions:
Early-infantile DEE. Also called: Early infantile epileptic encephalopathy; Early infantile epileptic encephalopathy with suppression bursts; Ohtahara syndrome. Identifiers: Orphanet 1934, MedGen C0393706, MONDO:0800491.

Allele frequency attached by ClinVar (database versions not stated): ESP Exome Variant Server 0.00008; TOPMed below 0.00001; ExAC 0.00001.
gnomAD v4.1: 1 of 1,612,280 alleles (0.000062%); highest among the groups gnomAD compares: African/African-American, 0.0013%; no homozygotes.

Submission:

Labcorp Genetics (formerly Invitae), Labcorp
Classification: Uncertain significance for Early-infantile DEE. Last evaluated: 2024-02-23. Review status: criteria provided, single submitter. Criteria: Invitae Variant Classification Sherloc (09022015). Collection method: clinical testing. Allele origin: germline.
Comment: This sequence change replaces threonine, which is neutral and polar, with alanine, which is neutral and non-polar, at codon 184 of the SCN1A protein (p.Thr184Ala). This variant is present in population databases (rs368798811, gnomAD 0.01%). This variant has not been reported in the literature in individuals affected with SCN1A-related conditions. Advanced modeling of protein sequence and biophysical properties (such as structural, functional, and spatial information, amino acid conservation, physicochemical variation, residue mobility, and thermodynamic stability) performed at Invitae indicates that this missense variant is expected to disrupt SCN1A protein function with a positive predictive value of 95%. In summary, the available evidence is currently insufficient to determine the role of this variant in disease. Therefore, it has been classified as a Variant of Uncertain Significance.